The following is an entry in ClinVar:

NM_007294.4(BRCA1):c.4582C>G (p.Leu1528Val)

Gene: BRCA1 (BRCA1 DNA repair associated; minus strand). Cytogenetic location: 17q21.31.
Variant type: single nucleotide variant.
Coding change: c.4582C>G on transcript NM_007294.4 (MANE Select); coding-DNA position 4582, C replaced by G.
Protein change: p.Leu1528Val; replaces leucine 1528 with valine.
Molecular consequence: missense variant. On other transcripts: non-coding transcript variant (1).
Genome position (GRCh38, 1-based): chr17:43,074,424, G>C on the plus strand (C>G on the coding strand, the complement: BRCA1 is on the minus strand). VCF-style: chr17-43074424-G-C. GRCh37 (hg19) VCF-style: chr17-41226441-G-C.
Other names: c.4504C>G, p.Leu1502Val (NM_001407654.1, NM_001407655.1, NM_001407653.1); c.4501C>G, p.Leu1501Val (NM_001407656.1, NM_001407657.1, NM_001407658.1); c.1060C>G, p.Leu354Val (NM_001408490.1, NM_001408491.1, NM_001408481.1 and 5 more transcripts); c.1057C>G, p.Leu353Val (NM_001408492.1, NM_001408493.1); c.1033C>G, p.Leu345Val (NM_001408494.1); c.4498C>G, p.Leu1500Val (NM_001407659.1, NM_001407660.1, NM_001407661.1 and 2 more transcripts); c.1027C>G, p.Leu343Val (NM_001408495.1); c.1009C>G, p.Leu337Val (NM_001408498.1, NM_001408499.1, NM_001408500.1 and 3 more transcripts); and 68 more; short protein forms L1528V, L1549V, L1481V, L424V, L1359V, L1415V, L1416V, L1440V.
Identifiers: ClinVar variation 963819 (VCV000963819.9), dbSNP rs2052603566, ClinGen allele CA10592348.
Genomic context (GRCh38, chr17:43,074,424, plus strand): 5'-TCAAATCGTGTGGCCCAGACTCTTCCAGCTGTTGCTCCTCCACATCAACAACCTTAATGA[G>C]CTCCTCTTGAGATGGGTAGTTTCTATTCTGAAGACTCCCAGAGCAACTGTGCATGTACCA-3'
Protein context (NP_009225.1, residues 1518-1538): QNRNYPSQEE[Leu1528Val]IKVVDVEEQQ

ClinVar aggregate classification (germline): Uncertain significance. Review status: criteria provided, multiple submitters, no conflicts (2 of 4 stars). 2 submissions from 2 submitters: Uncertain significance (2). Last evaluated 2024-09-19.

Conditions:
Hereditary cancer-predisposing syndrome. Also called: Tumor predisposition; Hereditary neoplastic syndrome; Hereditary Cancer Syndrome; Neoplastic Syndromes, Hereditary. Identifiers: Orphanet 140162, MedGen C0027672, MeSH D009386, MONDO:0015356.
Hereditary breast ovarian cancer syndrome. Also called: BRCA1- and BRCA2-Associated Hereditary Breast and Ovarian Cancer; Hereditary breast and ovarian cancer; Hereditary breast and/or ovarian cancer syndrome; Hereditary breast and ovarian cancer syndrome; Hereditary breast and ovarian cancer syndrome (HBOC); Breast and ovarian cancer. Identifiers: Orphanet 145, MedGen C0677776, MeSH D061325, MONDO:0003582. Disease mechanism: loss of function.

Submissions (2):

Ambry Genetics
Classification: Uncertain significance for Hereditary cancer-predisposing syndrome. Last evaluated: 2024-09-19. Review status: criteria provided, single submitter. Criteria: Ambry Variant Classification Scheme 2023. Collection method: clinical testing. Allele origin: germline.
Comment: The p.L1528V variant (also known as c.4582C>G), located in coding exon 13 of the BRCA1 gene, results from a C to G substitution at nucleotide position 4582. The leucine at codon 1528 is replaced by valine, an amino acid with highly similar properties. This amino acid position is not well conserved in available vertebrate species. In addition, the in silico prediction for this alteration is inconclusive. Based on the available evidence, the clinical significance of this variant remains unclear.

Labcorp Genetics (formerly Invitae), Labcorp
Classification: Uncertain significance for Hereditary breast ovarian cancer syndrome. Last evaluated: 2021-09-01. Review status: criteria provided, single submitter. Criteria: Invitae Variant Classification Sherloc (09022015). Collection method: clinical testing. Allele origin: germline.
Comment: This sequence change replaces leucine with valine at codon 1528 of the BRCA1 protein (p.Leu1528Val). The leucine residue is moderately conserved and there is a small physicochemical difference between leucine and valine. This variant is not present in population databases (ExAC no frequency). This variant has not been reported in the literature in individuals affected with BRCA1-related conditions. Algorithms developed to predict the effect of missense changes on protein structure and function (SIFT, PolyPhen-2, Align-GVGD) all suggest that this variant is likely to be tolerated. Algorithms developed to predict the effect of sequence changes on RNA splicing suggest that this variant may create or strengthen a splice site. In summary, the available evidence is currently insufficient to determine the role of this variant in disease. Therefore, it has been classified as a Variant of Uncertain Significance.